The following is an entry in ClinVar:

ClinVar aggregate classification (germline): Uncertain significance (1 of 4 stars; one submission).

gnomAD v4.1: 7 of 1,613,964 alleles (0.00043%); highest among the groups gnomAD compares: Admixed American, 0.0033%; no homozygotes.

Submission:

CeGaT Center for Human Genetics Tuebingen
Classification: Uncertain significance. Last evaluated: 2025-02-01. Review status: criteria provided, single submitter. Criteria: CeGaT Center For Human Genetics Tuebingen Variant Classification Criteria Version 2. Collection method: clinical testing. Allele origin: germline. Affected: yes. Observed: 1 variant allele.
Comment: VWA8: PM2, PP3

NM_015058.2(VWA8):c.493C>T (p.Arg165Cys)

Gene: VWA8 (von Willebrand factor A domain containing 8; minus strand). Cytogenetic location: 13q14.11.
Variant type: single nucleotide variant.
Coding change: c.493C>T on transcript NM_015058.2 (MANE Select); coding-DNA position 493, C replaced by T.
Protein change: p.Arg165Cys; replaces arginine 165 with cysteine.
Molecular consequence: missense variant.
Genome position (GRCh38, 1-based): chr13:41,891,578, G>A on the plus strand (C>T on the coding strand, the complement: VWA8 is on the minus strand). VCF-style: chr13-41891578-G-A. GRCh37 (hg19) VCF-style: chr13-42465714-G-A.
Other names: c.493C>T, p.Arg165Cys (NM_001009814.2); short protein forms R165C.
Identifiers: ClinVar variation 3771289 (VCV003771289.13).